The following is an entry in ClinVar:

ClinVar aggregate classification (germline): Benign. Review status: criteria provided, multiple submitters, no conflicts (2 of 4 stars). 2 submissions from 2 submitters: Benign (2). Last evaluated 2018-01-13.

Conditions:
Abetalipoproteinaemia (ABL). Also called: MTP DEFICIENCY; Abetalipoproteinemia; Abetalipoproteinemia neuropathy; Apolipoprotein B deficiency; Congenital betalipoprotein deficiency syndrome. Identifiers: Orphanet 14, MedGen C0000744, MONDO:0008692, OMIM 200100, HP:0008181.

Allele frequency attached by ClinVar (database versions not stated): gnomAD 0.59403 and 0.59509; TOPMed 0.61572; 1000 Genomes Project 30x 0.68645; 1000 Genomes Project 0.68770.

Submissions (2):

Illumina Laboratory Services, Illumina
Classification: Benign for Abetalipoproteinaemia. Last evaluated: 2018-01-13. Review status: criteria provided, single submitter. Criteria: ICSL Variant Classification Criteria 13 December 2019. Collection method: clinical testing. Allele origin: germline.
Comment: This variant was observed in the ICSL laboratory as part of a predisposition screen in an ostensibly healthy population. It had not been previously curated by ICSL or reported in the Human Gene Mutation Database (HGMD: prior to June 1st, 2018), and was therefore a candidate for classification through an automated scoring system. Utilizing variant allele frequency, disease prevalence and penetrance estimates, and inheritance mode, an automated score was calculated to assess if this variant is too frequent to cause the disease. Based on the score and internal cut-off values, a variant classified as benign is not then subjected to further curation. The score for this variant resulted in a classification of benign for this disease.

Breakthrough Genomics
Classification: Benign. Review status: criteria provided, single submitter. Criteria: ACMG Guidelines, 2015. Collection method: not provided. Allele origin: germline. Inheritance: Autosomal recessive inheritance. Affected: yes.

NM_001386140.1(MTTP):c.*1046C>G

Gene: MTTP (microsomal triglyceride transfer protein; plus strand). Cytogenetic location: 4q23.
Variant type: single nucleotide variant.
Coding change: c.*1046C>G on transcript NM_001386140.1 (MANE Select); 1046 bases downstream of the stop codon, C replaced by G.
Molecular consequence: 3 prime UTR variant.
Genome position (GRCh38, 1-based): chr4:99,623,894, C>G. VCF-style: chr4-99623894-C-G. GRCh37 (hg19) VCF-style: chr4-100545051-C-G.
Other names: c.*1046C>G (NM_000253.4, NM_001300785.2).
Identifiers: ClinVar variation 347062 (VCV000347062.6), dbSNP rs1061271, ClinGen allele CA10619722.